The following is an entry in ClinVar:

NM_000458.4(HNF1B):c.191del (p.Thr64fs)

Gene: HNF1B (HNF1 homeobox B; minus strand). Cytogenetic location: 17q12.
Variant type: Deletion.
Coding change: c.191del on transcript NM_000458.4 (MANE Select); coding-DNA position 191, one base deleted (C; older notation c.191delC).
Protein change: p.Thr64fs; shifts the reading frame from threonine 64.
Molecular consequence: frameshift variant.
Genome position (GRCh38, 1-based): chr17:37,744,694, G deleted on the plus strand (C on the coding strand, the reverse complement: HNF1B is on the minus strand). VCF-style (leftmost placement, unchanged base first): chr17-37744693-AG-A. GRCh37 (hg19) VCF-style: chr17-36104684-AG-A.
Other names: c.191del, p.Thr64fs (NM_001165923.4, NM_001304286.2, NM_001411100.1); short protein forms T64fs.
Identifiers: ClinVar variation 4531649 (VCV004531649.1).

ClinVar aggregate classification (germline): Pathogenic (1 of 4 stars; one submission).

Conditions:
Renal cysts and diabetes syndrome (RCAD). Also called: MATURITY-ONSET DIABETES OF THE YOUNG, TYPE 5; Familial hypoplastic, glomerulocystic kidney. Identifiers: Orphanet 93111, MedGen C0431693, MONDO:0007669, OMIM 137920.

Submission:

Victorian Clinical Genetics Services, Murdoch Childrens Research Institute
Classification: Pathogenic for Renal cysts and diabetes syndrome. Last evaluated: 2025-08-12. Review status: criteria provided, single submitter. Criteria: ACMG Guidelines, 2015. Collection method: clinical testing. Allele origin: germline. Affected: yes.
Comment: This variant is classified as Pathogenic. Evidence in support of pathogenic classification: Variant is predicted to cause nonsense-mediated decay (NMD) and loss of protein (premature termination codon is located at least 54 nucleotides upstream of the final exon-exon junction); Variant is absent from gnomAD (v2, v3 and v4); Other NMD-predicted variant(s) comparable to the one identified in this case have very strong previous evidence for pathogenicity (DECIPHER, ClinVar). Additional information: This variant is heterozygous; This gene is associated with autosomal dominant disease; This variant has no previous evidence of pathogenicity; No published segregation evidence has been identified for this variant; No published functional evidence has been identified for this variant; Dominant negative, loss of function, and gain of function are all reported mechanisms of disease in this gene and are associated with type 2 diabetes mellitus (MIM#125853) and renal cysts and diabetes syndrome (MIM#137920; OMIM, PMID: 25536396, 11845238, 15509593); Variants in this gene are known to have variable expressivity. There is significant interfamilial and intrafamilial variability of HNF1B-related nephropathy (PMID: 33305128).

Literature cited by the submitters: PubMed 11845238; PubMed 15509593; PubMed 25536396; PubMed 33305128.